The following is an entry in ClinVar:

NM_000701.8(ATP1A1):c.419T>C (p.Val140Ala)

Gene: ATP1A1 (ATPase Na+/K+ transporting subunit alpha 1; plus strand). Cytogenetic location: 1p13.1.
Variant type: single nucleotide variant.
Coding change: c.419T>C on transcript NM_000701.8 (MANE Select); coding-DNA position 419, T replaced by C.
Protein change: p.Val140Ala; replaces valine 140 with alanine.
Molecular consequence: missense variant.
Genome position (GRCh38, 1-based): chr1:116,388,162, T>C. VCF-style: chr1-116388162-T-C. GRCh37 (hg19) VCF-style: chr1-116930784-T-C.
Other names: NM_001160234.2:c.326T>C; c.419T>C, p.Val140Ala (NM_001160233.2); c.326T>C, p.Val109Ala (NM_001160234.2); short protein forms V109A, V140A.
Identifiers: ClinVar variation 3383304 (VCV003383304.1).

ClinVar aggregate classification (germline): Uncertain significance (1 of 4 stars; one submission).

Conditions:
Neuromuscular disease. Also called: Neuromuscular disorder; Neuromyopathy. Identifiers: Orphanet 68381, MedGen C0027868, MeSH D009468, MONDO:0019056.

Submission:

Broad Center for Mendelian Genomics, Broad Institute of MIT and Harvard
Classification: Uncertain significance for Neuromuscular disease. Last evaluated: 2024-11-25. Review status: criteria provided, single submitter. Criteria: ACMG Guidelines, 2015. Collection method: curation. Allele origin: germline. Inheritance: Autosomal dominant inheritance. Study: GREGoR Consortium.
Comment: Given the limited information about this gene-disease relationship, the significance of the p.Val140Ala variant is uncertain. If you have any additional information about functional evidence or other individuals with this phenotype that also have variants in ATP1A1 we encourage you to reach out to us.